The following is an entry in ClinVar:

ClinVar aggregate classification (germline): Uncertain significance (1 of 4 stars; one submission).

Conditions:
Noonan syndrome 8 (NS8). Identifiers: Orphanet 648, MedGen C3809233, MONDO:0014143, OMIM 615355.

Allele frequency attached by ClinVar (database versions not stated): gnomAD 0.00001; TOPMed 0.00001.
gnomAD v4.1: 1 of 1,613,880 alleles (0.000062%); highest among the groups gnomAD compares: African/African-American, 0.0013%; no homozygotes.

Submission:

Labcorp Genetics (formerly Invitae), Labcorp
Classification: Uncertain significance for Noonan syndrome 8. Last evaluated: 2022-09-03. Review status: criteria provided, single submitter. Criteria: Invitae Variant Classification Sherloc (09022015). Collection method: clinical testing. Allele origin: germline.
Comment: This variant has not been reported in the literature in individuals affected with RIT1-related conditions. Advanced modeling of protein sequence and biophysical properties (such as structural, functional, and spatial information, amino acid conservation, physicochemical variation, residue mobility, and thermodynamic stability) performed at Invitae indicates that this missense variant is not expected to disrupt RIT1 protein function. In summary, the available evidence is currently insufficient to determine the role of this variant in disease. Therefore, it has been classified as a Variant of Uncertain Significance. This variant is not present in population databases (gnomAD no frequency). This sequence change replaces phenylalanine, which is neutral and non-polar, with leucine, which is neutral and non-polar, at codon 114 of the RIT1 protein (p.Phe114Leu).

NM_006912.6(RIT1):c.340T>C (p.Phe114Leu)

Gene: RIT1 (Ras like without CAAX 1; minus strand). Cytogenetic location: 1q22.
Variant type: single nucleotide variant.
Coding change: c.340T>C on transcript NM_006912.6 (MANE Select); coding-DNA position 340, T replaced by C.
Protein change: p.Phe114Leu; replaces phenylalanine 114 with leucine.
Molecular consequence: missense variant.
Genome position (GRCh38, 1-based): chr1:155,904,400, A>G on the plus strand (T>C on the coding strand, the complement: RIT1 is on the minus strand). VCF-style: chr1-155904400-A-G. GRCh37 (hg19) VCF-style: chr1-155874191-A-G.
Other names: c.232T>C, p.Phe78Leu (NM_001256820.2); c.391T>C, p.Phe131Leu (NM_001256821.2); short protein forms F114L, F131L, F78L.
Identifiers: ClinVar variation 1919251 (VCV001919251.5), dbSNP rs1354654957, ClinGen allele CA342802421.